The following is an entry in ClinVar:

NM_001363705.2(UBR2):c.4735G>A (p.Glu1579Lys)

Gene: UBR2 (ubiquitin protein ligase E3 component n-recognin 2; plus strand). Cytogenetic location: 6p21.1.
Variant type: single nucleotide variant.
Coding change: c.4735G>A on transcript NM_001363705.2 (MANE Select); coding-DNA position 4735, G replaced by A.
Protein change: p.Glu1579Lys; replaces glutamic acid 1579 with lysine.
Molecular consequence: missense variant.
Genome position (GRCh38, 1-based): chr6:42,683,071, G>A. VCF-style: chr6-42683071-G-A. GRCh37 (hg19) VCF-style: chr6-42650809-G-A.
Other names: c.4735G>A, p.Glu1579Lys (NM_015255.3); short protein forms E1579K.
Identifiers: ClinVar variation 4891114 (VCV004891114.1).

ClinVar aggregate classification (germline): Uncertain significance (1 of 4 stars; one submission).

Submission:

Greenwood Genetic Center Diagnostic Laboratories, Greenwood Genetic Center
Classification: Uncertain significance. Last evaluated: 2026-06-01. Review status: criteria provided, single submitter. Criteria: ACMG Guidelines, 2015. Collection method: clinical testing. Allele origin: germline.
Comment: Gene of Uncertain Significance